The following is an entry in ClinVar:

ClinVar aggregate classification (germline): Likely benign. Review status: criteria provided, multiple submitters, no conflicts (2 of 4 stars). 2 submissions from 2 submitters: Likely benign (2). Last evaluated 2026-08-01.

Conditions:
Hereditary cancer-predisposing syndrome. Also called: Hereditary neoplastic syndrome; Neoplastic Syndromes, Hereditary; Tumor predisposition; Hereditary Cancer Syndrome. Identifiers: Orphanet 140162, MedGen C0027672, MeSH D009386, MONDO:0015356.

Submissions (2):

CeGaT Center for Human Genetics Tuebingen
Classification: Likely benign. Last evaluated: 2026-08-01. Review status: criteria provided, single submitter. Criteria: CeGaT Center For Human Genetics Tuebingen Variant Classification Criteria Version 2. Collection method: clinical testing. Allele origin: germline. Affected: yes. Observed: 1 variant allele.
Comment: EGFR: PM2:Supporting, BP4, BP7

Ambry Genetics
Classification: Likely benign for Hereditary cancer-predisposing syndrome. Last evaluated: 2025-05-31. Review status: criteria provided, single submitter. Criteria: Ambry Variant Classification Scheme 2023. Collection method: clinical testing. Allele origin: germline.

NM_005228.5(EGFR):c.33C>G (p.Leu11=)

Gene: EGFR (epidermal growth factor receptor; plus strand). Cytogenetic location: 7p11.2.
Variant type: single nucleotide variant.
Coding change: c.33C>G on transcript NM_005228.5 (MANE Select); coding-DNA position 33, C replaced by G.
Protein change: p.Leu11=; no amino-acid change (leucine 11 retained).
Molecular consequence: synonymous variant.
Genome position (GRCh38, 1-based): chr7:55,019,310, C>G. VCF-style: chr7-55019310-C-G. GRCh37 (hg19) VCF-style: chr7-55087003-C-G.
Other names: c.33C>G, p.Leu11= (NM_001346897.2, NM_001346898.2, NM_001346899.2 and 4 more transcripts).
Identifiers: ClinVar variation 4016796 (VCV004016796.2).